The following is an entry in ClinVar:

NM_000057.4(BLM):c.2743G>A (p.Ala915Thr)

Gene: BLM (BLM RecQ like helicase; plus strand). Cytogenetic location: 15q26.1.
Variant type: single nucleotide variant.
Coding change: c.2743G>A on transcript NM_000057.4 (MANE Select); coding-DNA position 2743, G replaced by A.
Protein change: p.Ala915Thr; replaces alanine 915 with threonine.
Molecular consequence: missense variant.
Genome position (GRCh38, 1-based): chr15:90,785,001, G>A. VCF-style: chr15-90785001-G-A. GRCh37 (hg19) VCF-style: chr15-91328231-G-A.
Other names: c.2743G>A (NM_000057.2); c.2743G>A, p.Ala915Thr (NM_001287246.2, NM_001287247.2); c.1618G>A, p.Ala540Thr (NM_001287248.2); short protein forms A915T, A540T.
Identifiers: ClinVar variation 947178 (VCV000947178.12), dbSNP rs1896709530, ClinGen allele CA393846013.

ClinVar aggregate classification (germline): Uncertain significance. Review status: criteria provided, multiple submitters, no conflicts (2 of 4 stars). 3 submissions from 3 submitters: Uncertain significance (2). 1 of the submissions does not count toward it. Last evaluated 2025-05-16.

Conditions:
Hereditary cancer-predisposing syndrome. Also called: Hereditary neoplastic syndrome; Neoplastic Syndromes, Hereditary; Tumor predisposition; Hereditary Cancer Syndrome. Identifiers: Orphanet 140162, MedGen C0027672, MeSH D009386, MONDO:0015356.
Bloom syndrome (BLM). Also called: Bloom-Torre-Machacek syndrome. Identifiers: Orphanet 125, MedGen C0005859, MONDO:0008876, OMIM 210900.

Allele frequency attached by ClinVar (database versions not stated): gnomAD exomes below 0.00001.
gnomAD v4.1: 1 of 1,614,190 alleles (0.000062%); highest among the groups gnomAD compares: Non-Finnish European, 0.000085%; no homozygotes.

Submissions (3):

Ambry Genetics
Classification: Uncertain significance for Hereditary cancer-predisposing syndrome. Last evaluated: 2025-05-16. Review status: criteria provided, single submitter. Criteria: Ambry Variant Classification Scheme 2023. Collection method: clinical testing. Allele origin: germline.
Comment: The p.A915T variant (also known as c.2743G>A), located in coding exon 13 of the BLM gene, results from a G to A substitution at nucleotide position 2743. The alanine at codon 915 is replaced by threonine, an amino acid with similar properties. This amino acid position is conserved. In addition, this alteration is predicted to be deleterious by in silico analysis. Since supporting evidence is limited at this time, the clinical significance of this alteration remains unclear.

Labcorp Genetics (formerly Invitae), Labcorp
Classification: Uncertain significance for Bloom syndrome. Last evaluated: 2023-11-05. Review status: criteria provided, single submitter. Criteria: Invitae Variant Classification Sherloc (09022015). Collection method: clinical testing. Allele origin: germline.
Comment: This sequence change replaces alanine, which is neutral and non-polar, with threonine, which is neutral and polar, at codon 915 of the BLM protein (p.Ala915Thr). This variant is not present in population databases (gnomAD no frequency). This variant has not been reported in the literature in individuals affected with BLM-related conditions. ClinVar contains an entry for this variant (Variation ID: 947178). Advanced modeling of protein sequence and biophysical properties (such as structural, functional, and spatial information, amino acid conservation, physicochemical variation, residue mobility, and thermodynamic stability) performed at Invitae indicates that this missense variant is not expected to disrupt BLM protein function with a negative predictive value of 80%. In summary, the available evidence is currently insufficient to determine the role of this variant in disease. Therefore, it has been classified as a Variant of Uncertain Significance.

Natera, Inc.
Classification: Uncertain significance for Bloom syndrome. Last evaluated: 2021-05-24. Review status: no assertion criteria provided. Collection method: clinical testing. Allele origin: germline. Not counted in ClinVar's aggregate classification.